The following is an entry in ClinVar:

ClinVar aggregate classification (germline): Pathogenic. Review status: criteria provided, multiple submitters, no conflicts (2 of 4 stars). 3 submissions from 3 submitters: Pathogenic (2). 1 of the submissions does not count toward it. Last evaluated 2024-07-11.

Conditions:
ENAM-related disorder. Also called: ENAM-related condition.
Amelogenesis imperfecta - hypoplastic autosomal dominant - local (AI1B). Also called: Amelogenesis imperfecta type 1B; ENAMEL HYPOPLASIA, HEREDITARY LOCALIZED. Identifiers: Orphanet 88661, MedGen C0399368, MONDO:0007092, OMIM 104500. Disease mechanism: loss of function.

Submissions (3):

GeneDx
Classification: Pathogenic. Last evaluated: 2024-07-11. Review status: criteria provided, single submitter. Criteria: GeneDx Variant Classification Process June 2021. Collection method: clinical testing. Allele origin: germline. Affected: yes.
Comment: Published functional studies demonstrate a damaging effect as the truncated protein was refractory to secretion and increased the ER stress response and apoptosis, and decreased cell survival (PMID: 38716742); Not observed in large population cohorts (gnomAD); This variant is associated with the following publications: (PMID: 31478359, 21597265, 12828988, 38716742, 12407086)

PreventionGenetics, part of Exact Sciences
Classification: Pathogenic for ENAM-related condition. Last evaluated: 2022-11-07. Review status: criteria provided, single submitter. Criteria: ACMG Guidelines, 2015. Collection method: clinical testing. Allele origin: germline.
Comment: The ENAM c.588+1delG variant is predicted to result in a deletion affecting a canonical splice site. This is one of the most frequently reported variants in individuals with autosomal dominant hypoplastic amelogenesis imperfecta (Wright et al. 2011. PubMed ID: 21597265; Zhang et al. 2019. PubMed ID: 31478359). This variant has not been reported in a large population database, indicating this variant is rare. This variant is interpreted as pathogenic.

Wang Lab, School of Dentistry, National Taiwan University
Classification: Pathogenic for Amelogenesis imperfecta - hypoplastic autosomal dominant - local. Last evaluated: 2021-08-09. Review status: no assertion criteria provided. Collection method: research. Allele origin: unknown. Affected: yes. Not counted in ClinVar's aggregate classification.

Literature cited by the submitters: PubMed 31478359 (cited by Wang Lab, School of Dentistry, National Taiwan University).

NM_031889.3(ENAM):c.588+1del

Gene: ENAM (enamelin; plus strand). Cytogenetic location: 4q13.3.
Variant type: Deletion.
Coding change: c.588+1del on transcript NM_031889.3 (MANE Select); the canonical splice donor site of the intron after coding-DNA position 588, one base deleted (G; older notation c.588+1delG).
Molecular consequence: splice donor variant.
Genome position (GRCh38, 1-based): chr4:70,637,844, G deleted; the last of 7 consecutive G bases (chr4:70,637,838-70,637,844); deleting any one gives the same sequence. VCF-style (leftmost placement, unchanged base first): chr4-70637837-AG-A. GRCh37 (hg19) VCF-style: chr4-71503554-AG-A.
Other names: c.-67+1del (NM_001368133.1); c.588+1delG (NM_031889.2).
Identifiers: ClinVar variation 1192504 (VCV001192504.3), dbSNP rs752102959, ClinGen allele CA439784792.